The following is an entry in ClinVar:

NM_000492.4(CFTR):c.3022del (p.Val1008fs)

Genes: CFTR (CF transmembrane conductance regulator; plus strand), CFTR-AS2 (CFTR antisense RNA 2; minus strand), LOC111674472 (DNase I hypersensitive sites in introns 16 and 17a of CFTR; plus strand). Cytogenetic location: 7q31.2.
Variant type: Deletion.
Coding change: c.3022del on transcript NM_000492.4 (MANE Select); coding-DNA position 3022, one base deleted (G; older notation c.3022delG).
Protein change: p.Val1008fs; shifts the reading frame from valine 1008.
Molecular consequence: frameshift variant.
Genome position (GRCh38, 1-based): chr7:117,610,552, G deleted. VCF-style (leftmost placement, unchanged base first): chr7-117610551-TG-T. GRCh37 (hg19) VCF-style: chr7-117250605-TG-T.
Other names: c.3022delG (NM_000492.3); short protein forms V1008fs.
Identifiers: ClinVar variation 53629 (VCV000053629.57), dbSNP rs397508482, ClinGen allele CA327015.

ClinVar aggregate classification (germline): Pathogenic. Review status: criteria provided, multiple submitters, no conflicts (2 of 4 stars). 7 submissions from 7 submitters: Pathogenic (6). 1 of the submissions does not count toward it. Last evaluated 2025-04-30.

Conditions:
CFTR-related disorder (CFTR-RD). Also called: CFTR-related condition; CFTR-related disorders. Identifiers: MedGen C5924204, MONDO:7770004.
Bronchiectasis with or without elevated sweat chloride 1 (BESC1). Also called: Cystic Fibrosis-Like Syndrome. Identifiers: Orphanet 60033, MedGen C2749757, MONDO:0008887, OMIM 211400.
Cystic fibrosis (CF). Also called: MUCOVISCIDOSIS. Identifiers: Orphanet 586, MedGen C0010674, MONDO:0009061, OMIM 219700. Disease mechanism: loss of function.

Allele frequency attached by ClinVar (database versions not stated): gnomAD exomes below 0.00001.

Submissions (7):

Natera, Inc.
Classification: Pathogenic for CFTR-related disorders. Last evaluated: 2025-04-30. Review status: criteria provided, single submitter. Criteria: Natera Variant Classification Schema (03/2026). Collection method: clinical testing. Allele origin: germline.
Comment: The c.3022delG variant in CFTR is a frameshift variant predicted to shift the reading frame beginning at codon 1008 and leads to a stop codon 15 codons downstream. This variant is expected to result in nonsense mediated decay, truncation, or a dysfunctional protein product. This variant is rare in the general population with a frequency below the threshold expected for the associated phenotype(s). This variant has been observed in one or more individuals affected with the associated recessive disease, as either homozygous or compound heterozygous with a second variant (PMID: 12544470). Given the available evidence, this variant is classified as Pathogenic.

Baylor Genetics
Classification: Pathogenic for Bronchiectasis with or without elevated sweat chloride 1. Last evaluated: 2023-10-20. Review status: criteria provided, single submitter. Criteria: ACMG Guidelines, 2015. Collection method: clinical testing. Allele origin: unknown.

Women's Health and Genetics/Laboratory Corporation of America, LabCorp
Classification: Pathogenic for Cystic fibrosis. Last evaluated: 2023-01-08. Review status: criteria provided, single submitter. Criteria: LabCorp Variant Classification Summary - May 2015. Collection method: clinical testing. Allele origin: germline.
Comment: Variant summary: CFTR c.3022delG (p.Val1008SerfsX15) results in a premature termination codon, predicted to cause a truncation of the encoded protein or absence of the protein due to nonsense mediated decay, which are commonly known mechanisms for disease. The variant was absent in 251166 control chromosomes. c.3022delG has been reported in the literature in individuals affected with Cystic Fibrosis (example, Claustres__2000, Strom_2003). Four clinical diagnostic laboratories and the CFTR-France database have submitted clinical-significance assessments for this variant to ClinVar after 2014. All submitters classified the variant as pathogenic/likely pathogenic. Based on the evidence outlined above, the variant was classified as pathogenic.

Ambry Genetics
Classification: Pathogenic for Cystic fibrosis. Last evaluated: 2020-07-15. Review status: criteria provided, single submitter. Criteria: Ambry Variant Classification Scheme 2023. Collection method: clinical testing. Allele origin: germline.
Comment: The c.3022delG pathogenic mutation, located in coding exon 19 of the CFTR gene, results from a deletion of one nucleotide at nucleotide position 3022, causing a translational frameshift with a predicted alternate stop codon (p.V1008Sfs*15). This variant was identified in the homozygous state in an individual with cystic fibrosis (Strom CM et al. Genet. Med.;5:9-14). In addition to the clinical data presented in the literature, this alteration is expected to result in loss of function by premature protein truncation or nonsense-mediated mRNA decay. As such, this alteration is interpreted as a disease-causing mutation.

Labcorp Genetics (formerly Invitae), Labcorp
Classification: Pathogenic for Cystic fibrosis. Last evaluated: 2019-12-19. Review status: criteria provided, single submitter. Criteria: Invitae Variant Classification Sherloc (09022015). Collection method: clinical testing. Allele origin: germline.
Comment: For these reasons, this variant has been classified as Pathogenic. Loss-of-function variants in CFTR are known to be pathogenic (PMID: 1695717, 7691345, 9725922). This variant has been observed in individual(s) with cystic fibrosis (PMID: 12544470, 20059485). ClinVar contains an entry for this variant (Variation ID: 53629). This variant is not present in population databases (ExAC no frequency). This sequence change creates a premature translational stop signal (p.Val1008Serfs*15) in the CFTR gene. It is expected to result in an absent or disrupted protein product.

CFTR-France
Classification: Pathogenic for cystic fibrosis. Last evaluated: 2018-01-29. Review status: criteria provided, single submitter. Criteria: Claustres M et al. (Hum Mutat 2017). Collection method: curation. Allele origin: germline. Affected: yes.

Counsyl
Classification: Likely pathogenic for Cystic fibrosis. Last evaluated: 2015-01-15. Review status: no assertion criteria provided. Collection method: literature only. Allele origin: unknown. Inheritance: Autosomal recessive inheritance. Not counted in ClinVar's aggregate classification.

Literature cited by the submitters: PubMed 12544470 (cited by 5 submitters); PubMed 10923036 (cited by Women's Health and Genetics/Laboratory Corporation of America, LabCorp); PubMed 27533158 (cited by Women's Health and Genetics/Laboratory Corporation of America, LabCorp); PubMed 18344710 (cited by Ambry Genetics); PubMed 1695717 (cited by Labcorp Genetics (formerly Invitae), Labcorp); PubMed 7691345 (cited by Labcorp Genetics (formerly Invitae), Labcorp); PubMed 9725922 (cited by Labcorp Genetics (formerly Invitae), Labcorp); PubMed 20059485 (cited by Labcorp Genetics (formerly Invitae), Labcorp and Counsyl).